The following is an entry in ClinVar:

ClinVar aggregate classification (germline): Uncertain significance (1 of 4 stars; one submission).

Conditions:
Inborn genetic diseases. Identifiers: MedGen C0950123, MeSH D030342.

gnomAD v4.1: 1 of 1,558,256 alleles (0.000064%); highest among the groups gnomAD compares: Non-Finnish European, 0.000087%; no homozygotes.

Submission:

Ambry Genetics
Classification: Uncertain significance for Inborn genetic diseases. Last evaluated: 2024-08-03. Review status: criteria provided, single submitter. Criteria: Ambry Variant Classification Scheme 2023. Collection method: clinical testing. Allele origin: germline.
Comment: The p.P434A variant (also known as c.1300C>G), located in coding exon 10 of the EPAS1 gene, results from a C to G substitution at nucleotide position 1300. The proline at codon 434 is replaced by alanine, an amino acid with highly similar properties. This amino acid position is conserved. In addition, this alteration is predicted to be tolerated by in silico analysis. Based on the available evidence, the clinical significance of this variant remains unclear.

NM_001430.5(EPAS1):c.1300C>G (p.Pro434Ala)

Gene: EPAS1 (endothelial PAS domain protein 1; plus strand). Cytogenetic location: 2p21.
Variant type: single nucleotide variant.
Coding change: c.1300C>G on transcript NM_001430.5 (MANE Select); coding-DNA position 1300, C replaced by G.
Protein change: p.Pro434Ala; replaces proline 434 with alanine.
Molecular consequence: missense variant.
Genome position (GRCh38, 1-based): chr2:46,377,944, C>G. VCF-style: chr2-46377944-C-G. GRCh37 (hg19) VCF-style: chr2-46605083-C-G.
Other names: short protein forms P434A.
Identifiers: ClinVar variation 3508964 (VCV003508964.1).